The following is an entry in ClinVar:

ClinVar aggregate classification (germline): Uncertain significance (1 of 4 stars; one submission).

Conditions:
Cardiovascular phenotype. Identifiers: MedGen CN230736.

Submission:

Ambry Genetics
Classification: Uncertain significance for Cardiovascular phenotype. Last evaluated: 2026-03-12. Review status: criteria provided, single submitter. Criteria: Ambry Variant Classification Scheme 2023. Collection method: clinical testing. Allele origin: germline.
Comment: The p.P711L variant (also known as c.2132C>T), located in coding exon 35 of the COL1A2 gene, results from a C to T substitution at nucleotide position 2132. The proline at codon 711 is replaced by leucine, an amino acid with similar properties. This amino acid position is conserved. In addition, this alteration is predicted to be deleterious by in silico analysis. Based on the available evidence, the clinical significance of this variant remains unclear.

NM_000089.4(COL1A2):c.2132C>T (p.Pro711Leu)

Gene: COL1A2 (collagen type I alpha 2 chain; plus strand). Cytogenetic location: 7q21.3.
Variant type: single nucleotide variant.
Coding change: c.2132C>T on transcript NM_000089.4 (MANE Select); coding-DNA position 2132, C replaced by T.
Protein change: p.Pro711Leu; replaces proline 711 with leucine.
Molecular consequence: missense variant.
Genome position (GRCh38, 1-based): chr7:94,420,285, C>T. VCF-style: chr7-94420285-C-T. GRCh37 (hg19) VCF-style: chr7-94049597-C-T.
Other names: short protein forms P711L.
Identifiers: ClinVar variation 4827077 (VCV004827077.1).